The following is an entry in ClinVar:

ClinVar aggregate classification (germline): Likely benign. Review status: criteria provided, multiple submitters, no conflicts (2 of 4 stars). 3 submissions from 3 submitters: Likely benign (2). 1 of the submissions does not count toward it. Last evaluated 2026-01-19.

Conditions:
EVC2-related disorder. Also called: EVC2-related condition.
Ellis-van Creveld syndrome (EVC). Also called: EVC-Related Ellis-van Creveld Syndrome; EVC2-Related Ellis-van Creveld Syndrome; MESOECTODERMAL DYSPLASIA; Chondroectodermal dysplasia. Identifiers: Orphanet 289, MedGen C0013903, MONDO:0009162, OMIM 225500.
Curry-Hall syndrome (WAD). Also called: WEYERS ACRODENTAL DYSOSTOSIS. Identifiers: Orphanet 952, MedGen C0457013, MONDO:0008673, OMIM 193530.

Allele frequency attached by ClinVar (database versions not stated): gnomAD 0.00009; TOPMed 0.00013; 1000 Genomes Project 30x 0.00016; ExAC 0.00027; gnomAD exomes 0.00027.
gnomAD v4.1: 84 of 1,608,906 alleles (0.0052%); highest among the groups gnomAD compares: East Asian, 0.18%; 1 homozygote.

Submissions (3):

Labcorp Genetics (formerly Invitae), Labcorp
Classification: Likely benign for Curry-Hall syndrome; Ellis-van Creveld syndrome. Last evaluated: 2026-01-19. Review status: criteria provided, single submitter. Criteria: Invitae Variant Classification Sherloc (09022015). Collection method: clinical testing. Allele origin: germline.

Illumina Laboratory Services, Illumina
Classification: Likely benign for Ellis-van Creveld syndrome. Last evaluated: 2018-01-13. Review status: criteria provided, single submitter. Criteria: ICSL Variant Classification Criteria 13 December 2019. Collection method: clinical testing. Allele origin: germline.
Comment: This variant was observed in the ICSL laboratory as part of a predisposition screen in an ostensibly healthy population. It had not been previously curated by ICSL or reported in the Human Gene Mutation Database (HGMD: prior to June 1st, 2018), and was therefore a candidate for classification through an automated scoring system. Utilizing variant allele frequency, disease prevalence and penetrance estimates, and inheritance mode, an automated score was calculated to assess if this variant is too frequent to cause the disease. Based on the score and internal cut-off values, a variant classified as likely benign is not then subjected to further curation. The score for this variant resulted in a classification of likely benign for this disease.

PreventionGenetics, part of Exact Sciences
Classification: Likely benign for EVC2-related condition. Last evaluated: 2023-01-24. Review status: no assertion criteria provided. Collection method: clinical testing. Allele origin: germline. Not counted in ClinVar's aggregate classification.
Comment: This variant is classified as likely benign based on ACMG/AMP sequence variant interpretation guidelines (Richards et al. 2015 PMID: 25741868, with internal and published modifications).

NM_147127.5(EVC2):c.3382C>A (p.Leu1128Met)

Gene: EVC2 (EvC ciliary complex subunit 2; minus strand). Cytogenetic location: 4p16.2.
Variant type: single nucleotide variant.
Coding change: c.3382C>A on transcript NM_147127.5 (MANE Select); coding-DNA position 3382, C replaced by A.
Protein change: p.Leu1128Met; replaces leucine 1128 with methionine.
Molecular consequence: missense variant.
Genome position (GRCh38, 1-based): chr4:5,568,619, G>T on the plus strand (C>A on the coding strand, the complement: EVC2 is on the minus strand). VCF-style: chr4-5568619-G-T. GRCh37 (hg19) VCF-style: chr4-5570346-G-T.
Other names: c.3142C>A, p.Leu1048Met (NM_001166136.2); short protein forms L1048M, L1128M.
Identifiers: ClinVar variation 711625 (VCV000711625.17), dbSNP rs200105743, ClinGen allele CA2834333.